The following is an entry in ClinVar:

ClinVar aggregate classification (germline): Uncertain significance (1 of 4 stars; one submission).

gnomAD v4.1: 1 of 1,612,066 alleles (0.000062%); highest among the groups gnomAD compares: Non-Finnish European, 0.000085%; no homozygotes.

Submission:

Clinical Genomics Laboratory, Washington University in St. Louis
Classification: Uncertain significance. Last evaluated: 2024-05-10. Review status: criteria provided, single submitter. Criteria: ACMG Guidelines, 2015. Collection method: clinical testing. Allele origin: germline.
Comment: The ARHGEF12 c.2764C>T (p.Arg922Cys) variant, to our knowledge, has not been reported in the medical literature. This variant is absent from the general population (gnomAD v.2.1.1), indicating it is not a common variant. Computational predictors are uncertain as to the impact of this variant on ARHGEF12 function. Due to limited information, the clinical significance of this variant is uncertain.

NM_015313.3(ARHGEF12):c.2764C>T (p.Arg922Cys)

Gene: ARHGEF12 (Rho guanine nucleotide exchange factor 12; plus strand). Cytogenetic location: 11q23.3.
Variant type: single nucleotide variant.
Coding change: c.2764C>T on transcript NM_015313.3 (MANE Select); coding-DNA position 2764, C replaced by T.
Protein change: p.Arg922Cys; replaces arginine 922 with cysteine.
Molecular consequence: missense variant.
Genome position (GRCh38, 1-based): chr11:120,467,218, C>T. VCF-style: chr11-120467218-C-T. GRCh37 (hg19) VCF-style: chr11-120337927-C-T.
Other names: c.2707C>T, p.Arg903Cys (NM_001198665.2); c.2455C>T, p.Arg819Cys (NM_001301084.2); short protein forms R819C, R903C, R922C.
Identifiers: ClinVar variation 3236622 (VCV003236622.1), dbSNP rs2497870680, ClinGen allele CA382995701.